The following is an entry in ClinVar:

ClinVar aggregate classification (germline): Pathogenic (1 of 4 stars; one submission).

Conditions:
Saldino-Mainzer syndrome (SRTD9). Also called: Renal dysplasia, retinal pigmentary dystrophy, cerebellar ataxia and skeletal dysplasia; CONORENAL SYNDROME; SHORT-RIB THORACIC DYSPLASIA 9 WITHOUT POLYDACTYLY; short-rib thoracic dysplasia 9 with or without polydactyly. Identifiers: Orphanet 140969, MedGen C1849437, MONDO:0009964, OMIM 266920.

Submission:

Labcorp Genetics (formerly Invitae), Labcorp
Classification: Pathogenic for Saldino-Mainzer syndrome. Last evaluated: 2022-02-12. Review status: criteria provided, single submitter. Criteria: Invitae Variant Classification Sherloc (09022015). Collection method: clinical testing. Allele origin: germline.
Comment: This variant has not been reported in the literature in individuals affected with IFT140-related conditions. For these reasons, this variant has been classified as Pathogenic. This variant is a gross deletion of the genomic region encompassing exon(s) 19 of the IFT140 gene. This deletion is out-of-frame, and is expected to create a premature termination codon and result in an absent or disrupted protein product. Loss-of-function variants in IFT140 are known to be pathogenic (PMID: 22503633, 23418020, 24009529, 26216056).

Literature cited by the submitters: PubMed 22503633; PubMed 23418020; PubMed 24009529; PubMed 26216056.

NC_000016.9:g.(?_1607916)_(1608155_?)del

Gene: IFT140 (intraflagellar transport 140; minus strand). Cytogenetic location: 16p13.3.
Variant type: Deletion.
Identifiers: ClinVar variation 1453885 (VCV001453885.7).